The following is an entry in ClinVar:

NM_006009.4(TUBA1A):c.791G>A (p.Arg264His)

Gene: TUBA1A (tubulin alpha 1a; minus strand). Cytogenetic location: 12q13.12.
Variant type: single nucleotide variant.
Coding change: c.791G>A on transcript NM_006009.4 (MANE Select); coding-DNA position 791, G replaced by A.
Protein change: p.Arg264His; replaces arginine 264 with histidine.
Molecular consequence: missense variant.
Genome position (GRCh38, 1-based): chr12:49,185,575, C>T on the plus strand (G>A on the coding strand, the complement: TUBA1A is on the minus strand). VCF-style: chr12-49185575-C-T. GRCh37 (hg19) VCF-style: chr12-49579358-C-T.
Other names: c.791G>A, p.Arg264His (NM_001270399.2); c.686G>A, p.Arg229His (NM_001270400.2); short protein forms R264H, R229H.
Identifiers: ClinVar variation 287392 (VCV000287392.18), dbSNP rs886043627, ClinGen allele CA10605753.

ClinVar aggregate classification (germline): Pathogenic/Likely pathogenic. Review status: criteria provided, multiple submitters, no conflicts (2 of 4 stars). 7 submissions from 7 submitters: Pathogenic (1); Likely pathogenic (5). 1 of the submissions does not count toward it. Last evaluated 2025-08-01.

Conditions:
Tubulinopathy. Also called: Tubulinopathies. Identifiers: MedGen CN850169, MONDO:0100153.
Lissencephaly due to TUBA1A mutation (CDCBM16). Also called: CORTICAL DYSPLASIA, COMPLEX, WITH OTHER BRAIN MALFORMATIONS 16; Lissencephaly 3. Identifiers: Orphanet 171680, MedGen C4305153, MONDO:0012703, OMIM 611603.

Submissions (7):

CeGaT Center for Human Genetics Tuebingen
Classification: Likely pathogenic. Last evaluated: 2025-08-01. Review status: criteria provided, single submitter. Criteria: CeGaT Center For Human Genetics Tuebingen Variant Classification Criteria Version 2. Collection method: clinical testing. Allele origin: germline. Affected: yes. Observed: 1 variant allele.
Comment: TUBA1A: PM2, PM5, PS2:Moderate, PP2

Institute of Medical Genetics and Applied Genomics, University Hospital Tübingen
Classification: Likely pathogenic. Last evaluated: 2020-10-23. Review status: criteria provided, single submitter. Criteria: ACMG Guidelines, 2015. Collection method: clinical testing. Allele origin: germline. Inheritance: Autosomal dominant inheritance. Affected: yes.

Victorian Clinical Genetics Services, Murdoch Childrens Research Institute
Classification: Pathogenic for Lissencephaly due to TUBA1A mutation. Last evaluated: 2020-10-19. Review status: criteria provided, single submitter. Criteria: ACMG Guidelines, 2015. Collection method: clinical testing. Allele origin: germline. Inheritance: Autosomal dominant inheritance. Affected: yes.
Comment: Based on the classification scheme VCGS_Germline_v1.3.3, this variant is classified as Pathogenic. Following criteria are met: 0103 - Dominant negative and loss of function are known mechanisms of disease in this gene and are associated with lissencephaly 3 (MIM#611603). Both mechanisms have been reported for missense variants, however dominant negative is the prevalent molecular consequence due to this protein being a heterodimer. Reports found that variants had defects in protein stability and acted dominantly by populating microtubules with defective binding sites for dynein (PMIDs: 20466733, 30517687). (I) 0107 - This gene is associated with autosomal dominant disease. (I) 0200 - Variant is predicted to result in a missense amino acid change from arginine to histidine. (I) 0251 - This variant is heterozygous. (I) 0301 - Variant is absent from gnomAD (both v2 and v3). (SP) 0501 - Missense variant consistently predicted to be damaging by multiple in silico tools or highly conserved with a major amino acid change. (SP) 0602 - Variant is located in a hotspot region or cluster of pathogenic variants. Alternate changes at the same residue, to cysteine and glycine, have previously been reported as pathogenic (ClinVar, Decipher, PMID: 30744660). (SP) 0801 - This variant has strong previous evidence of pathogenicity in unrelated individuals. The variant has previously been reported in a small number of individuals with lissencephaly 3 (MIM#611603), and is often confirmed to be de novo (ClinVar, PMIDs: 24860126, 30744660). (SP) 1102 - Strong phenotype match for this individual. (SP) 1208 - Inheritance information for this variant is not currently available in this individual. (I) Legend: (SP) - Supporting pathogenic, (I) - Information, (SB) - Supporting benign

Institute of Human Genetics, FAU Erlangen, Friedrich-Alexander-Universität Erlangen-Nürnberg
Classification: Likely pathogenic for Tubulinopathies. Last evaluated: 2018-07-01. Review status: criteria provided, single submitter. Criteria: ACMG Guidelines, 2015. Collection method: literature only. Allele origin: germline. Affected: yes. Observed: 1 variant allele.
Comment: The c.791G>A, p.(Arg264His) variant has been reported as a variant of germline/unknown origin. This variant and associated phenotype was previously reported by Alby et al. Birth Defects Res A Clin Mol Teratol, 2016

Prenatal Medicine Munich
Classification: Likely pathogenic for Lissencephaly due to TUBA1A mutation. Last evaluated: 2017-10-19. Review status: criteria provided, single submitter. Criteria: ACMG Guidelines, 2015. Collection method: clinical testing. Allele origin: de novo. Inheritance: Sporadic. Affected: yes.

Eurofins Ntd Llc (ga)
Classification: Likely pathogenic. Last evaluated: 2016-04-05. Review status: criteria provided, single submitter. Criteria: EGL Classification Definitions 2015. Collection method: clinical testing. Allele origin: germline. Observed: 1 variant allele, 1 heterozygote.

Baylor Genetics
Classification: Uncertain significance for Lissencephaly due to TUBA1A mutation. Last evaluated: 2017-09-01. Review status: flagged submission. Criteria: ACMG Guidelines, 2015. Collection method: clinical testing. Allele origin: de novo. Inheritance: Autosomal dominant inheritance. Affected: yes. Not counted in ClinVar's aggregate classification.
ClinVar note: Reason: Outlier claim with insufficient supporting evidence

Literature cited by the submitters: PubMed 20466733 (cited by Victorian Clinical Genetics Services, Murdoch Childrens Research Institute); PubMed 24860126 (cited by Victorian Clinical Genetics Services, Murdoch Childrens Research Institute); PubMed 30517687 (cited by Victorian Clinical Genetics Services, Murdoch Childrens Research Institute); PubMed 30744660 (cited by Victorian Clinical Genetics Services, Murdoch Childrens Research Institute and Institute of Human Genetics, FAU Erlangen, Friedrich-Alexander-Universität Erlangen-Nürnberg); DOI 10.1101/427948 (cited by Institute of Human Genetics, FAU Erlangen, Friedrich-Alexander-Universität Erlangen-Nürnberg); PubMed 25059107 (cited by Eurofins Ntd Llc (ga)); PubMed 26663670 (cited by Eurofins Ntd Llc (ga)); PubMed 25326635 (cited by Baylor Genetics).